The following is an entry in ClinVar:

NM_002439.5(MSH3):c.1396A>G (p.Ser466Gly)

Gene: MSH3 (mutS homolog 3; plus strand). Cytogenetic location: 5q14.1.
Variant type: single nucleotide variant.
Coding change: c.1396A>G on transcript NM_002439.5 (MANE Select); coding-DNA position 1396, A replaced by G.
Protein change: p.Ser466Gly; replaces serine 466 with glycine.
Molecular consequence: missense variant.
Genome position (GRCh38, 1-based): chr5:80,725,508, A>G. VCF-style: chr5-80725508-A-G. GRCh37 (hg19) VCF-style: chr5-80021327-A-G.
Other names: short protein forms S466G.
Identifiers: ClinVar variation 652616 (VCV000652616.20), dbSNP rs766948921, ClinGen allele CA3327895.
Genomic context (GRCh38, chr5:80,725,508, plus strand): 5'-TTCAGTGTGCAGGATGACAGAATTCGAGTCGAAAGGATGGATAACATTTATTTTGAATAC[A>G]GCCATGCTTTCCAGGCAGTTACAGAGTTTTATGCAAAAGATACAGTTGACATCAAAGGTA-3'
Protein context (NP_002430.3, residues 456-476): ERMDNIYFEY[Ser466Gly]HAFQAVTEFY

ClinVar aggregate classification (germline): Uncertain significance. Review status: criteria provided, multiple submitters, no conflicts (2 of 4 stars). 5 submissions from 5 submitters: Uncertain significance (5). Last evaluated 2026-01-18.

Conditions:
Endometrial carcinoma. Also called: Endometrial carcinoma, somatic. Identifiers: MedGen C0476089, MONDO:0002447, OMIM 608089, HP:0012114.
Hereditary cancer-predisposing syndrome. Also called: Hereditary Cancer Syndrome; Hereditary neoplastic syndrome; Tumor predisposition; Neoplastic Syndromes, Hereditary. Identifiers: Orphanet 140162, MedGen C0027672, MeSH D009386, MONDO:0015356.

Allele frequency attached by ClinVar (database versions not stated): ExAC 0.00001; gnomAD 0.00003; gnomAD exomes 0.00006 and 0.00003; TOPMed 0.00003.
gnomAD v4.1: 91 of 1,613,958 alleles (0.0056%); highest among the groups gnomAD compares: Non-Finnish European, 0.0073%; no homozygotes.

Submissions (5):

Labcorp Genetics (formerly Invitae), Labcorp
Classification: Uncertain significance. Last evaluated: 2026-01-18. Review status: criteria provided, single submitter. Criteria: Invitae Variant Classification Sherloc (09022015). Collection method: clinical testing. Allele origin: germline.
Comment: This sequence change replaces serine, which is neutral and polar, with glycine, which is neutral and non-polar, at codon 466 of the MSH3 protein (p.Ser466Gly). This variant is present in population databases (rs766948921, gnomAD 0.005%). This missense change has been observed in individual(s) with polycystic ovary syndrome (PMID: 32634176). ClinVar contains an entry for this variant (Variation ID: 652616). An algorithm developed to predict the effect of missense changes on protein structure and function (PolyPhen-2) suggests that this variant is likely to be disruptive. In summary, the available evidence is currently insufficient to determine the role of this variant in disease. Therefore, it has been classified as a Variant of Uncertain Significance.

Quest Diagnostics Nichols Institute San Juan Capistrano
Classification: Uncertain significance. Last evaluated: 2025-06-23. Review status: criteria provided, single submitter. Criteria: Quest Diagnostics criteria. Collection method: clinical testing. Allele origin: unknown.
Comment: The MSH3 c.1396A>G (p.Ser466Gly) variant has been reported in the published literature in individuals affected with colorectal cancer (PMID: 37453563 (2023)) and endometrial cancer (PMID: 32634176 (2020)). The frequency of this variant in the general population (Genome Aggregation Database) is uninformative in the assessment of its pathogenicity. Analysis of this variant using bioinformatics tools for the prediction of the effect of amino acid changes on protein structure and function yielded conflicting predictions that this variant is benign or damaging. Based on the available information, we are unable to determine the clinical significance of this variant.

GeneDx
Classification: Uncertain significance. Last evaluated: 2025-01-22. Review status: criteria provided, single submitter. Criteria: GeneDx Variant Classification Process June 2021. Collection method: clinical testing. Allele origin: germline.
Comment: Not observed at significant frequency in large population cohorts (gnomAD); In silico analysis indicates that this missense variant does not alter protein structure/function; Observed in an individual with endometrial cancer, as well as an individual from a control group in a melanoma study (PMID: 29641532, 32634176); This variant is associated with the following publications: (PMID: 29641532, 32634176, 37453563)

Ambry Genetics
Classification: Uncertain significance for Hereditary cancer-predisposing syndrome. Last evaluated: 2024-12-17. Review status: criteria provided, single submitter. Criteria: Ambry Variant Classification Scheme 2023. Collection method: clinical testing. Allele origin: germline.
Comment: The p.S466G variant (also known as c.1396A>G), located in coding exon 9 of the MSH3 gene, results from an A to G substitution at nucleotide position 1396. The serine at codon 466 is replaced by glycine, an amino acid with similar properties. This amino acid position is highly conserved in available vertebrate species. In addition, the in silico prediction for this alteration is inconclusive. Based on the available evidence, the clinical significance of this variant remains unclear.

Baylor Genetics
Classification: Uncertain significance for Endometrial carcinoma. Last evaluated: 2024-03-17. Review status: criteria provided, single submitter. Criteria: ACMG Guidelines, 2015. Collection method: clinical testing. Allele origin: unknown.

Literature cited by the submitters: PubMed 32634176 (cited by Labcorp Genetics (formerly Invitae), Labcorp and Quest Diagnostics Nichols Institute San Juan Capistrano); PubMed 29641532 (cited by Quest Diagnostics Nichols Institute San Juan Capistrano); PubMed 37453563 (cited by Quest Diagnostics Nichols Institute San Juan Capistrano).